The following is an entry in ClinVar:

ClinVar aggregate classification (germline): Pathogenic (1 of 4 stars; one submission).

Conditions:
Nephronophthisis 15 (NPHP15). Identifiers: Orphanet 3156, MedGen C3541853, MONDO:0013917, OMIM 614845.

Submission:

Labcorp Genetics (formerly Invitae), Labcorp
Classification: Pathogenic for Nephronophthisis 15. Last evaluated: 2025-03-04. Review status: criteria provided, single submitter. Criteria: Invitae Variant Classification Sherloc (09022015). Collection method: clinical testing. Allele origin: germline.
Comment: This sequence change creates a premature translational stop signal (p.Ser1104Cysfs*2) in the CEP164 gene. It is expected to result in an absent or disrupted protein product. Loss-of-function variants in CEP164 are known to be pathogenic (PMID: 22863007, 28125082, 32367404, 34132027, 34499853). This variant is not present in population databases (gnomAD no frequency). This variant has not been reported in the literature in individuals affected with CEP164-related conditions. For these reasons, this variant has been classified as Pathogenic.

Literature cited by the submitters: PubMed 22863007; PubMed 28125082; PubMed 32367404; PubMed 34132027; PubMed 34499853.

NM_014956.5(CEP164):c.3311_3312del (p.Ser1104fs)

Gene: CEP164 (centrosomal protein 164; plus strand). Cytogenetic location: 11q23.3.
Variant type: Microsatellite.
Coding change: c.3311_3312del on transcript NM_014956.5 (MANE Select); coding-DNA positions 3311 to 3312, 2 bases deleted (CT; older notation c.3311_3312delCT).
Protein change: p.Ser1104fs; shifts the reading frame from serine 1104.
Molecular consequence: frameshift variant.
Genome position (GRCh38, 1-based): chr11:117,397,123-117,397,124, CT deleted; deleting any 2 consecutive bases within chr11:117,397,119-117,397,124 gives the same sequence; the c. name uses the placement nearest the transcript's 3' end. VCF-style (leftmost placement, unchanged base first): chr11-117397118-CCT-C. GRCh37 (hg19) VCF-style: chr11-117267834-CCT-C.
Other names: c.3320_3321del, p.Ser1107fs (NM_001271933.2); short protein forms S1104fs, S1107fs.
Identifiers: ClinVar variation 3723159 (VCV003723159.2).
Genomic context (GRCh38, chr11:117,397,118, plus strand): 5'-TTCTGTTTTCCTTCTTCAACTCTCCTGCTCCAGCCTGTCCTCCCACAATGTCTGGCACCT[CCT>C]CTCTGCTGAGGGGGTAGCCCTCCGTAGTGCCAAGGAGTTCCTTGTGCAGCAGACACGCTC-3'